The following is an entry in ClinVar:

NM_000492.4(CFTR):c.40_44del (p.Lys14fs)

Gene: CFTR (CF transmembrane conductance regulator; plus strand). Cytogenetic location: 7q31.2.
Variant type: Deletion.
Coding change: c.40_44del on transcript NM_000492.4 (MANE Select); coding-DNA positions 40 to 44, 5 bases deleted (AAACT; older notation c.40_44delAAACT).
Protein change: p.Lys14fs; shifts the reading frame from lysine 14.
Molecular consequence: frameshift variant.
Genome position (GRCh38, 1-based): chr7:117,480,134-117,480,138, AAACT deleted. VCF-style (leftmost placement, unchanged base first): chr7-117480133-CAAACT-C. GRCh37 (hg19) VCF-style: chr7-117120187-CAAACT-C.
Other names: short protein forms K14fs.
Identifiers: ClinVar variation 1736923 (VCV001736923.5), dbSNP rs2484928957, ClinGen allele CA2580076290.

ClinVar aggregate classification (germline): Pathogenic/Likely pathogenic. Review status: criteria provided, multiple submitters, no conflicts (2 of 4 stars). 3 submissions from 3 submitters: Pathogenic (1); Likely pathogenic (2). Last evaluated 2025-12-05.

Conditions:
CFTR-related disorder (CFTR-RD). Also called: CFTR-related condition; CFTR-related disorders. Identifiers: MedGen C5924204, MONDO:7770004.
Bronchiectasis with or without elevated sweat chloride 1 (BESC1). Also called: Cystic Fibrosis-Like Syndrome. Identifiers: Orphanet 60033, MedGen C2749757, MONDO:0008887, OMIM 211400.
Cystic fibrosis (CF). Also called: MUCOVISCIDOSIS. Identifiers: Orphanet 586, MedGen C0010674, MONDO:0009061, OMIM 219700. Disease mechanism: loss of function.

Allele frequency attached by ClinVar (database versions not stated): gnomAD exomes below 0.00001.

Submissions (3):

Natera, Inc.
Classification: Likely pathogenic for CFTR-related disorders. Last evaluated: 2025-12-05. Review status: criteria provided, single submitter. Criteria: Natera Variant Classification Schema (03/2026). Collection method: clinical testing. Allele origin: germline.
Comment: The c.40_44delAAACT variant in CFTR is a frameshift variant predicted to shift the reading frame beginning at codon 14 and leads to a stop codon 29 codons downstream. This variant is expected to result in nonsense mediated decay, truncation, or a dysfunctional protein product. This variant is rare in the general population with a frequency below the threshold expected for the associated phenotype(s). Given the available evidence, this variant is classified as Likely Pathogenic.

Ambry Genetics
Classification: Pathogenic for Cystic fibrosis. Last evaluated: 2024-06-03. Review status: criteria provided, single submitter. Criteria: Ambry Variant Classification Scheme 2023. Collection method: clinical testing. Allele origin: germline.
Comment: The c.40_44delAAACT pathogenic mutation, located in coding exon 1 of the CFTR gene, results from a deletion of 5 nucleotides at nucleotide positions 40 to 44, causing a translational frameshift with a predicted alternate stop codon (p.K14Ffs*29). This alteration is expected to result in loss of function by premature protein truncation or nonsense-mediated mRNA decay. As such, this alteration is interpreted as a disease-causing mutation.

Baylor Genetics
Classification: Likely pathogenic for Bronchiectasis with or without elevated sweat chloride 1. Last evaluated: 2024-02-13. Review status: criteria provided, single submitter. Criteria: ACMG Guidelines, 2015. Collection method: clinical testing. Allele origin: unknown.